The following is an entry in ClinVar:

NM_006929.5(SKIC2):c.2211G>A (p.Pro737=)

Gene: SKIC2 (SKI2 subunit of superkiller complex; plus strand). Cytogenetic location: 6p21.33.
Variant type: single nucleotide variant.
Coding change: c.2211G>A on transcript NM_006929.5 (MANE Select); coding-DNA position 2211, G replaced by A.
Protein change: p.Pro737=; no amino-acid change (proline 737 retained).
Molecular consequence: synonymous variant.
Genome position (GRCh38, 1-based): chr6:31,966,717, G>A. VCF-style: chr6-31966717-G-A. GRCh37 (hg19) VCF-style: chr6-31934494-G-A.
Other names: p.Pro737=.
Identifiers: ClinVar variation 356336 (VCV000356336.15), dbSNP rs2280773, ClinGen allele CA3729718.

ClinVar aggregate classification (germline): Benign/Likely benign. Review status: criteria provided, multiple submitters, no conflicts (2 of 4 stars). 4 submissions from 4 submitters: Benign (3); Likely benign (1). Last evaluated 2026-02-04.

Conditions:
Trichohepatoenteric syndrome 2 (THES2). Identifiers: Orphanet 84064, MedGen C3281289, MONDO:0013818, OMIM 614602.

Allele frequency attached by ClinVar (database versions not stated): ESP Exome Variant Server 0.00008; gnomAD 0.00198 and 0.00296; gnomAD exomes 0.00283 and 0.00642; TOPMed 0.00347; ExAC 0.00612; 1000 Genomes Project 30x 0.01218; 1000 Genomes Project 0.01338.
gnomAD v4.1: 4,679 of 1,614,040 alleles (0.29%); highest among the groups gnomAD compares: East Asian, 7.2%; 146 homozygotes.

Submissions (4):

Labcorp Genetics (formerly Invitae), Labcorp
Classification: Benign. Last evaluated: 2026-02-04. Review status: criteria provided, single submitter. Criteria: Invitae Variant Classification Sherloc (09022015). Collection method: clinical testing. Allele origin: germline.

Mayo Clinic Laboratories, Mayo Clinic
Classification: Benign. Last evaluated: 2024-12-23. Review status: criteria provided, single submitter. Criteria: ACMG Guidelines, 2015. Collection method: clinical testing. Allele origin: germline. Observed: 5 variant alleles.
Comment: BS1, BS2, BP4, BP7

Fulgent Genetics
Classification: Likely benign for Trichohepatoenteric syndrome 2. Last evaluated: 2021-09-29. Review status: criteria provided, single submitter. Criteria: ACMG Guidelines, 2015. Collection method: clinical testing. Allele origin: unknown.

Illumina Laboratory Services, Illumina
Classification: Benign for Trichohepatoenteric syndrome 2. Last evaluated: 2018-01-12. Review status: criteria provided, single submitter. Criteria: ICSL Variant Classification Criteria 13 December 2019. Collection method: clinical testing. Allele origin: germline.
Comment: This variant was observed in the ICSL laboratory as part of a predisposition screen in an ostensibly healthy population. It had not been previously curated by ICSL or reported in the Human Gene Mutation Database (HGMD: prior to June 1st, 2018), and was therefore a candidate for classification through an automated scoring system. Utilizing variant allele frequency, disease prevalence and penetrance estimates, and inheritance mode, an automated score was calculated to assess if this variant is too frequent to cause the disease. Based on the score and internal cut-off values, a variant classified as benign is not then subjected to further curation. The score for this variant resulted in a classification of benign for this disease.